The following is an entry in ClinVar:

ClinVar aggregate classification (germline): conflicting data from submitters (0 of 4 stars; one submission).

Submission:

GeneDx
Classification: conflicting data from submitters. Last evaluated: 2010-11-30. Review status: no assertion criteria provided. Collection method: clinical testing. Allele origin: not provided. Affected: yes. Observed: 2 variant alleles.
Comment: Uncertain significance(1), Benign (1)

GRCh38/hg38 10p12.33(chr10:17767524-17839747)x1

Genes: MRC1 (mannose receptor C-type 1; plus strand), TMEM236 (transmembrane protein 236; plus strand). Cytogenetic location: 10p12.33.
Variant type: copy number loss.
Change: copy number 1 (one copy instead of two) of chr10:17,767,524-17,839,747 (72.2 kb, GRCh38 coordinates, 1-based), cytogenetic band 10p12.33.
Identifiers: ClinVar variation 144992 (VCV000144992.1).